The following is an entry in ClinVar:

NM_000815.5(GABRD):c.1328A>G (p.Asn443Ser)

Gene: GABRD (gamma-aminobutyric acid type A receptor subunit delta; plus strand). Cytogenetic location: 1p36.33.
Variant type: single nucleotide variant.
Coding change: c.1328A>G on transcript NM_000815.5 (MANE Select); coding-DNA position 1328, A replaced by G.
Protein change: p.Asn443Ser; replaces asparagine 443 with serine.
Molecular consequence: missense variant.
Genome position (GRCh38, 1-based): chr1:2,030,251, A>G. VCF-style: chr1-2030251-A-G. GRCh37 (hg19) VCF-style: chr1-1961690-A-G.
Other names: short protein forms N443S.
Identifiers: ClinVar variation 1878608 (VCV001878608.2), dbSNP rs143064203, ClinGen allele CA534977.

ClinVar aggregate classification (germline): Uncertain significance. Review status: criteria provided, multiple submitters, no conflicts (2 of 4 stars). 2 submissions from 2 submitters: Uncertain significance (2). Last evaluated 2025-11-12.

Conditions:
Epilepsy, idiopathic generalized, susceptibility to, 10. Identifiers: MedGen C2751603, MONDO:0013103, OMIM 613060.
Idiopathic generalized epilepsy. Also called: Generalised epilepsy; EIG. Identifiers: MedGen C0270850, MONDO:0005579, OMIM 600669.

Allele frequency attached by ClinVar (database versions not stated): gnomAD exomes 0.00002; gnomAD 0.00003; TOPMed 0.00003; ExAC 0.00004; ESP Exome Variant Server 0.00008.
gnomAD v4.1: 35 of 1,559,462 alleles (0.0022%); highest among the groups gnomAD compares: Admixed American, 0.0056%; no homozygotes.

Submissions (2):

Labcorp Genetics (formerly Invitae), Labcorp
Classification: Uncertain significance for Idiopathic generalized epilepsy. Last evaluated: 2025-11-12. Review status: criteria provided, single submitter. Criteria: Invitae Variant Classification Sherloc (09022015). Collection method: clinical testing. Allele origin: germline.
Comment: This sequence change replaces asparagine, which is neutral and polar, with serine, which is neutral and polar, at codon 443 of the GABRD protein (p.Asn443Ser). This variant is present in population databases (rs143064203, gnomAD 0.01%). This missense change has been observed in individual(s) with clinical features of GABRD-related conditions (PMID: 36801247). ClinVar contains an entry for this variant (Variation ID: 1878608). An algorithm developed to predict the effect of missense changes on protein structure and function (PolyPhen-2) suggests that this variant is likely to be disruptive. In summary, the available evidence is currently insufficient to determine the role of this variant in disease. Therefore, it has been classified as a Variant of Uncertain Significance.

Neuberg Centre For Genomic Medicine, NCGM
Classification: Uncertain significance for Epilepsy, idiopathic generalized, susceptibility to, 10. Review status: criteria provided, single submitter. Criteria: ACMG Guidelines, 2015. Collection method: clinical testing. Allele origin: germline. Affected: yes.
Comment: The missense variant in c.1328A>G (p.Asn443Ser) in GABRD gene has not been reported previously as a pathogenic variant nor as a benign variant, to our knowledge. The p.Asn443Ser variant is novel (not in any individuals) in 1000 Genomes and allele frequency of 0.004436% is reported in gnomAD. The amino acid Asn at position 443 is changed to a Ser changing protein sequence and it might alter its composition and physico-chemical properties. This variant has not been reported to the ClinVar database. The variant is predicted to be damaging by both SIFT and PolyPhen2. The residue is conserved across species. The amino acid change p.Asn443Ser in GABRD is predicted as conserved by GERP++ and PhyloP across 100 vertebrates. For these reasons, this variant has been classified as Uncertain Significance .

Literature cited by the submitters: PubMed 36801247 (cited by Labcorp Genetics (formerly Invitae), Labcorp).